The following is an entry in ClinVar:

ClinVar aggregate classification (germline): Uncertain significance. Review status: criteria provided, multiple submitters, no conflicts (2 of 4 stars). 4 submissions from 4 submitters: Uncertain significance (4). Last evaluated 2023-12-22.

Conditions:
Inborn genetic diseases. Identifiers: MedGen C0950123, MeSH D030342.
Epidermolysis bullosa simplex 5B, with muscular dystrophy (EBS5B). Also called: Epidermolysis bullosa simplex with muscular dystrophy; EPIDERMOLYSIS BULLOSA SIMPLEX AND LIMB-GIRDLE MUSCULAR DYSTROPHY. Identifiers: Orphanet 257, MedGen C2931072, MONDO:0009181, OMIM 226670.
Epidermolysis bullosa simplex, Ogna type (EBS5A). Also called: Pidermolysis bullosa simplex 5A, Ogna type; EPIDERMOLYSIS BULLOSA SIMPLEX 5A, OGNA TYPE. Identifiers: Orphanet 79401, MedGen C0432317, MONDO:0007555, OMIM 131950.
Epidermolysis bullosa simplex with nail dystrophy (EBS5D). Identifiers: MedGen C4225309, MONDO:0014661, OMIM 616487.
Autosomal recessive limb-girdle muscular dystrophy type 2Q (LGMDR17). Also called: MUSCULAR DYSTROPHY, LIMB-GIRDLE, AUTOSOMAL RECESSIVE 17. Identifiers: Orphanet 254361, MedGen C3150989, MONDO:0013390, OMIM 613723.
Epidermolysis bullosa simplex 5C, with pyloric atresia (EBS5C). Also called: PLEC-Related Epidermolysis Bullosa with Pyloric Atresia; Epidermolysis bullosa simplex with pyloric atresia; PLEC1-Related Epidermolysis Bullosa with Pyloric Atresia. Identifiers: Orphanet 158684, MedGen C2677349, MONDO:0012807, OMIM 612138.

Allele frequency attached by ClinVar (database versions not stated): gnomAD exomes below 0.00001; gnomAD 0.00001 and 0.00002; TOPMed 0.00001.
gnomAD v4.1: 7 of 1,613,142 alleles (0.00043%); highest among the groups gnomAD compares: African/African-American, 0.0027%; no homozygotes.

Submissions (4):

Ambry Genetics
Classification: Uncertain significance for Inborn genetic diseases. Last evaluated: 2023-12-22. Review status: criteria provided, single submitter. Criteria: Ambry Variant Classification Scheme 2023. Collection method: clinical testing. Allele origin: germline.

Labcorp Genetics (formerly Invitae), Labcorp
Classification: Uncertain significance for Autosomal recessive limb-girdle muscular dystrophy type 2Q; Epidermolysis bullosa simplex, Ogna type; Epidermolysis bullosa simplex with nail dystrophy; Epidermolysis bullosa simplex 5C, with pyloric atresia; Epidermolysis bullosa simplex 5B, with muscular dystrophy. Last evaluated: 2022-09-13. Review status: criteria provided, single submitter. Criteria: Invitae Variant Classification Sherloc (09022015). Collection method: clinical testing. Allele origin: germline.
Comment: This sequence change replaces arginine, which is basic and polar, with histidine, which is basic and polar, at codon 4375 of the PLEC protein (p.Arg4375His). The frequency data for this variant in the population databases is considered unreliable, as metrics indicate poor data quality at this position in the gnomAD database. This variant has not been reported in the literature in individuals affected with PLEC-related conditions. ClinVar contains an entry for this variant (Variation ID: 598570). Advanced modeling of protein sequence and biophysical properties (such as structural, functional, and spatial information, amino acid conservation, physicochemical variation, residue mobility, and thermodynamic stability) performed at Invitae indicates that this missense variant is not expected to disrupt PLEC protein function. In summary, the available evidence is currently insufficient to determine the role of this variant in disease. Therefore, it has been classified as a Variant of Uncertain Significance.

Revvity Omics, Revvity
Classification: Uncertain significance. Last evaluated: 2019-09-10. Review status: criteria provided, single submitter. Criteria: ACMG Guidelines, 2015. Collection method: clinical testing. Allele origin: germline.

Eurofins Ntd Llc (ga)
Classification: Uncertain significance. Last evaluated: 2018-08-30. Review status: criteria provided, single submitter. Criteria: EGL ClinVar v180209 classification definitions. Collection method: clinical testing. Allele origin: germline. Observed: 1 variant allele, 1 heterozygote.

NM_201384.3(PLEC):c.13043G>A (p.Arg4348His)

Gene: PLEC (plectin; minus strand). Cytogenetic location: 8q24.3.
Variant type: single nucleotide variant.
Coding change: c.13043G>A on transcript NM_201384.3 (MANE Select); coding-DNA position 13043, G replaced by A.
Protein change: p.Arg4348His; replaces arginine 4348 with histidine.
Molecular consequence: missense variant.
Genome position (GRCh38, 1-based): chr8:143,916,778, C>T on the plus strand (G>A on the coding strand, the complement: PLEC is on the minus strand). VCF-style: chr8-143916778-C-T. GRCh37 (hg19) VCF-style: chr8-144990946-C-T.
Other names: c.13124G>A (NM_000445.3); c.13124G>A, p.Arg4375His (NM_000445.5); c.13001G>A, p.Arg4334His (NM_201378.4); c.12977G>A, p.Arg4326His (NM_201379.3); c.13454G>A, p.Arg4485His (NM_201380.4); c.12947G>A, p.Arg4316His (NM_201381.3); c.13043G>A, p.Arg4348His (NM_201382.4); c.13055G>A, p.Arg4352His (NM_201383.3); short protein forms R4326H, R4348H, R4375H, R4316H, R4485H, R4334H, R4352H.
Identifiers: ClinVar variation 598570 (VCV000598570.13), dbSNP rs1361207987, ClinGen allele CA372477121.